The following is an entry in ClinVar:

NM_003791.4(MBTPS1):c.389G>A (p.Arg130Gln)

Gene: MBTPS1 (membrane bound transcription factor peptidase, site 1; minus strand). Cytogenetic location: 16q23.3.
Variant type: single nucleotide variant.
Coding change: c.389G>A on transcript NM_003791.4 (MANE Select); coding-DNA position 389, G replaced by A.
Protein change: p.Arg130Gln; replaces arginine 130 with glutamine.
Molecular consequence: missense variant.
Genome position (GRCh38, 1-based): chr16:84,099,085, C>T on the plus strand (G>A on the coding strand, the complement: MBTPS1 is on the minus strand). VCF-style: chr16-84099085-C-T. GRCh37 (hg19) VCF-style: chr16-84132690-C-T.
Other names: short protein forms R130Q.
Identifiers: ClinVar variation 2058373 (VCV002058373.4), dbSNP rs148577579, ClinGen allele CA8201804.

ClinVar aggregate classification (germline): Uncertain significance. Review status: criteria provided, multiple submitters, no conflicts (2 of 4 stars). 2 submissions from 2 submitters: Uncertain significance (2). Last evaluated 2024-10-08.

Conditions:
Inborn genetic diseases. Identifiers: MedGen C0950123, MeSH D030342.

Allele frequency attached by ClinVar (database versions not stated): 1000 Genomes Project 30x 0.00016; 1000 Genomes Project 0.00020; TOPMed 0.00039; gnomAD 0.00044; ESP Exome Variant Server 0.00077.

Submissions (2):

Ambry Genetics
Classification: Uncertain significance for Inborn genetic diseases. Last evaluated: 2024-10-08. Review status: criteria provided, single submitter. Criteria: Ambry Variant Classification Scheme 2023. Collection method: clinical testing. Allele origin: germline.

Labcorp Genetics (formerly Invitae), Labcorp
Classification: Uncertain significance. Last evaluated: 2024-01-29. Review status: criteria provided, single submitter. Criteria: Invitae Variant Classification Sherloc (09022015). Collection method: clinical testing. Allele origin: germline.
Comment: This sequence change replaces arginine, which is basic and polar, with glutamine, which is neutral and polar, at codon 130 of the MBTPS1 protein (p.Arg130Gln). This variant is present in population databases (rs148577579, gnomAD 0.06%). This variant has not been reported in the literature in individuals affected with MBTPS1-related conditions. ClinVar contains an entry for this variant (Variation ID: 2058373). An algorithm developed to predict the effect of missense changes on protein structure and function (PolyPhen-2) suggests that this variant¬†is likely to be tolerated. In summary, the available evidence is currently insufficient to determine the role of this variant in disease. Therefore, it has been classified as a Variant of Uncertain Significance.